The following is an entry in ClinVar:

NM_020774.4(MIB1):c.1982T>G (p.Ile661Ser)

Gene: MIB1 (MIB E3 ubiquitin protein ligase 1; plus strand). Cytogenetic location: 18q11.2.
Variant type: single nucleotide variant.
Coding change: c.1982T>G on transcript NM_020774.4 (MANE Select); coding-DNA position 1982, T replaced by G.
Protein change: p.Ile661Ser; replaces isoleucine 661 with serine.
Molecular consequence: missense variant.
Genome position (GRCh38, 1-based): chr18:21,843,150, T>G. VCF-style: chr18-21843150-T-G. GRCh37 (hg19) VCF-style: chr18-19423111-T-G.
Other names: short protein forms I661S.
Identifiers: ClinVar variation 1327820 (VCV001327820.2), dbSNP rs2146505212, ClinGen allele CA401794720.
Genomic context (GRCh38, chr18:21,843,150, plus strand): 5'-TGTCAAATTTTAACCATTTAACATTTGTTCTTCTCGTTCAGGGTAATGCAAACCTGGATA[T>G]CCAGAATGTGAACCAACAAACTGCCCTACACCTTGCTGTTGAACGACAGCATACCCAGAT-3'
Protein context (NP_065825.1, residues 651-671): LVHQGNANLD[Ile661Ser]QNVNQQTALH

ClinVar aggregate classification (germline): Uncertain significance (1 of 4 stars; one submission).

Submission:

GeneDx
Classification: Uncertain significance. Last evaluated: 2021-06-10. Review status: criteria provided, single submitter. Criteria: GeneDx Variant Classification Process June 2021. Collection method: clinical testing. Allele origin: germline. Affected: yes.
Comment: Has not been previously published as pathogenic or benign to our knowledge; Not observed at significant frequency in large population cohorts (Lek et al., 2016); In silico analysis supports that this missense variant does not alter protein structure/function; This variant is associated with the following publications: (PMID: 27535533)